The following is an entry in ClinVar:

NM_006371.5(CRTAP):c.352T>C (p.Cys118Arg)

Gene: CRTAP (cartilage associated protein; plus strand). Cytogenetic location: 3p22.3.
Variant type: single nucleotide variant.
Coding change: c.352T>C on transcript NM_006371.5 (MANE Select); coding-DNA position 352, T replaced by C.
Protein change: p.Cys118Arg; replaces cysteine 118 with arginine.
Molecular consequence: missense variant.
Genome position (GRCh38, 1-based): chr3:33,114,429, T>C. VCF-style: chr3-33114429-T-C. GRCh37 (hg19) VCF-style: chr3-33155921-T-C.
Other names: c.352T>C, p.Cys118Arg (NM_001393363.1, NM_001393364.1, NM_001393365.1); short protein forms C118R.
Identifiers: ClinVar variation 3637575 (VCV003637575.1).

ClinVar aggregate classification (germline): Uncertain significance (1 of 4 stars; one submission).

Conditions:
Osteogenesis imperfecta type 7 (OI7). Also called: OSTEOGENESIS IMPERFECTA, TYPE IIB; Osteogenesis imperfecta type 2B; OI type 2B; Osteogenesis imperfecta, perinatal lethal autosomal recessive; OI type IIB; OI type 7. Identifiers: MedGen C1853162, MONDO:0012536, OMIM 610682.

gnomAD v4.1: 4 of 1,559,532 alleles (0.00026%); highest among the groups gnomAD compares: Middle Eastern, 0.022%; no homozygotes.

Submission:

Labcorp Genetics (formerly Invitae), Labcorp
Classification: Uncertain significance for Osteogenesis imperfecta type 7. Last evaluated: 2024-04-06. Review status: criteria provided, single submitter. Criteria: Invitae Variant Classification Sherloc (09022015). Collection method: clinical testing. Allele origin: germline.
Comment: This sequence change replaces cysteine, which is neutral and slightly polar, with arginine, which is basic and polar, at codon 118 of the CRTAP protein (p.Cys118Arg). The frequency data for this variant in the population databases is considered unreliable, as metrics indicate poor data quality at this position in the gnomAD database. This variant has not been reported in the literature in individuals affected with CRTAP-related conditions. Advanced modeling of protein sequence and biophysical properties (such as structural, functional, and spatial information, amino acid conservation, physicochemical variation, residue mobility, and thermodynamic stability) performed at Invitae indicates that this missense variant is expected to disrupt CRTAP protein function with a positive predictive value of 80%. In summary, the available evidence is currently insufficient to determine the role of this variant in disease. Therefore, it has been classified as a Variant of Uncertain Significance.